The following is an entry in ClinVar:

ClinVar aggregate classification (germline): Conflicting classifications of pathogenicity. Review status: criteria provided, conflicting classifications (1 of 4 stars). 8 submissions from 8 submitters: Uncertain significance (1); Benign (5). 2 of the submissions do not count toward it. Last evaluated 2026-02-02.

Conditions:
Neuromuscular disease caused by qualitative or quantitative defects of dysferlin. Also called: Dysferlinopathy; Qualitative or quantitative defects of dysferlin. Identifiers: Orphanet 207073, MedGen C2931687, MONDO:0016145.
Autosomal recessive limb-girdle muscular dystrophy type 2B (LGMDR2). Also called: MUSCULAR DYSTROPHY, LIMB-GIRDLE, AUTOSOMAL RECESSIVE 2; Limb-Girdle Muscular Dystrophy Type 2B (LGMD2B); Limb-girdle muscular dystrophy, type 2B; MUSCULAR DYSTROPHY, LIMB-GIRDLE, TYPE 3. Identifiers: Orphanet 268, MedGen C1850889, MONDO:0009676, OMIM 253601.

Allele frequency attached by ClinVar (database versions not stated): gnomAD exomes 0.00246 and 0.00088; gnomAD 0.00981 and 0.01043; 1000 Genomes Project 0.01098; ESP Exome Variant Server 0.01092; TOPMed 0.01115; ExAC 0.00331; 1000 Genomes Project 30x 0.01296.
gnomAD v4.1: 2,783 of 1,612,338 alleles (0.17%); highest among the groups gnomAD compares: African/African-American, 3.4%; 48 homozygotes.

Submissions (13):

Labcorp Genetics (formerly Invitae), Labcorp
Classification: Benign for Neuromuscular disease caused by qualitative or quantitative defects of dysferlin. Last evaluated: 2026-02-02. Review status: criteria provided, single submitter. Criteria: Invitae Variant Classification Sherloc (09022015). Collection method: clinical testing. Allele origin: germline.

Mayo Clinic Laboratories, Mayo Clinic
Classification: Benign. Last evaluated: 2019-02-28. Review status: criteria provided, single submitter. Criteria: ACMG Guidelines, 2015. Collection method: clinical testing. Allele origin: germline. Observed: 12 variant alleles.

Athena Diagnostics
Classification: Benign. Last evaluated: 2018-02-02. Review status: criteria provided, single submitter. Criteria: Athena Diagnostics Criteria. Collection method: clinical testing. Allele origin: germline.

Illumina Laboratory Services, Illumina
Classification: Uncertain significance for Qualitative or quantitative defects of dysferlin. Last evaluated: 2017-04-27. Review status: criteria provided, single submitter. Criteria: ICSL Variant Classification Criteria 13 December 2019. Collection method: clinical testing. Allele origin: germline.

GeneDx
Classification: Benign. Last evaluated: 2016-03-03. Review status: criteria provided, single submitter. Criteria: GeneDx Variant Classification (06012015). Collection method: clinical testing. Allele origin: germline. Affected: yes.
Comment: This variant is considered likely benign or benign based on one or more of the following criteria: it is a conservative change, it occurs at a poorly conserved position in the protein, it is predicted to be benign by multiple in silico algorithms, and/or has population frequency not consistent with disease.

PreventionGenetics, part of Exact Sciences
Classification: Benign. Review status: criteria provided, single submitter. Criteria: ACMG Guidelines, 2015. Collection method: clinical testing. Allele origin: germline.

Natera, Inc.
Classification: Benign for Limb-girdle muscular dystrophy type 2B. Last evaluated: 2020-09-16. Review status: no assertion criteria provided. Collection method: clinical testing. Allele origin: germline. Not counted in ClinVar's aggregate classification.

Dr. Peter K. Rogan Lab, Western University
No classification provided (evidence only). Condition: Acute myeloid leukemia. Review status: no classification provided. Collection method: in vitro. Allele origin: not applicable. Functional consequence: retained intron. Not counted in ClinVar's aggregate classification.

Dr. Peter K. Rogan Lab, Western University
No classification provided (evidence only). Condition: Thyroid cancer, nonmedullary, 1. Review status: no classification provided. Collection method: in vitro. Allele origin: not applicable. Functional consequence: retained intron. Not counted in ClinVar's aggregate classification.

Dr. Peter K. Rogan Lab, Western University
No classification provided (evidence only). Condition: Cervical cancer. Review status: no classification provided. Collection method: in vitro. Allele origin: not applicable. Functional consequence: retained intron. Not counted in ClinVar's aggregate classification.

Dr. Peter K. Rogan Lab, Western University
No classification provided (evidence only). Condition: Thymoma. Review status: no classification provided. Collection method: in vitro. Allele origin: not applicable. Functional consequence: retained intron. Not counted in ClinVar's aggregate classification.

Dr. Peter K. Rogan Lab, Western University
No classification provided (evidence only). Condition: Gastric cancer. Review status: no classification provided. Collection method: in vitro. Allele origin: not applicable. Functional consequence: retained intron. Not counted in ClinVar's aggregate classification.

Genetic Services Laboratory, University of Chicago
Classification: Likely benign for AllHighlyPenetrant. Review status: no assertion criteria provided. Collection method: clinical testing. Allele origin: germline. Inheritance: Autosomal recessive inheritance. Not counted in ClinVar's aggregate classification.
Comment: Likely benign based on allele frequency in 1000 Genomes Project or ESP global frequency and its presence in a patient with a rare or unrelated disease phenotype. NOT Sanger confirmed.

Literature cited by the submitters: PubMed 18853459 (cited by Athena Diagnostics).

NM_001130987.2(DYSF):c.4377G>A (p.Gln1459=)

Gene: DYSF (dysferlin; plus strand). Cytogenetic location: 2p13.2.
Variant type: single nucleotide variant.
Coding change: c.4377G>A on transcript NM_001130987.2 (MANE Select); coding-DNA position 4377, G replaced by A.
Protein change: p.Gln1459=; no amino-acid change (glutamine 1459 retained).
Molecular consequence: synonymous variant.
Genome position (GRCh38, 1-based): chr2:71,612,796, G>A. VCF-style: chr2-71612796-G-A. GRCh37 (hg19) VCF-style: chr2-71839926-G-A.
Other names: p.Gln1441=; c.4326G>A, p.Gln1442= (NM_001130455.2, NM_001130983.2); c.4281G>A, p.Gln1427= (NM_001130976.2, NM_001130977.2); c.4323G>A, p.Gln1441= (NM_001130978.2, NM_003494.4); c.4416G>A, p.Gln1472= (NM_001130979.2); c.4374G>A, p.Gln1458= (NM_001130980.2, NM_001130981.2); c.4419G>A, p.Gln1473= (NM_001130982.2); c.4284G>A, p.Gln1428= (NM_001130984.2, NM_001130986.2); and 1 more.
Identifiers: ClinVar variation 128948 (VCV000128948.25), dbSNP rs76576806, ClinGen allele CA152667.
Genomic context (GRCh38, chr2:71,612,796, plus strand): 5'-CATCCGCTCCCTGGAGAGCTTCCTGTGTGACCCCTACTCGGCGGAGAGTCCATCCCCACA[G>A]GGTGGCCCAGGTAGGGGAAGGGGAGATGATGGGCAGGTCAGGGAAGGGGGAGCCTCAGGG-3'
Protein context (NP_001124459.1, residues 1449-1469): DPYSAESPSP[Gln1459=]GGPDDVSLLS